The following is an entry in ClinVar:

ClinVar aggregate classification (germline): Benign/Likely benign. Review status: criteria provided, multiple submitters, no conflicts (2 of 4 stars). 3 submissions from 3 submitters: Benign (1); Likely benign (1). 1 of the submissions does not count toward it. Last evaluated 2025-02-16.

Conditions:
PLXNA3-related disorder. Also called: PLXNA3-related condition.

Allele frequency attached by ClinVar (database versions not stated): gnomAD 0.00055 and 0.00061; TOPMed 0.00062; gnomAD exomes 0.00072 and 0.00086; ESP Exome Variant Server 0.00076; 1000 Genomes Project 0.00106; ExAC 0.00112; 1000 Genomes Project 30x 0.00125.
gnomAD v4.1: 857 of 1,207,683 alleles (0.071%); highest among the groups gnomAD compares: East Asian, 0.41%; 5 homozygotes.

Submissions (3):

Laboratory of Genetics, Children's Clinical University Hospital Latvia
Classification: Likely benign. Last evaluated: 2025-02-16. Review status: criteria provided, single submitter. Criteria: ACMG Guidelines, 2015. Collection method: clinical testing. Allele origin: germline. Affected: yes.

Labcorp Genetics (formerly Invitae), Labcorp
Classification: Benign. Last evaluated: 2019-12-31. Review status: criteria provided, single submitter. Criteria: Invitae Variant Classification Sherloc (09022015). Collection method: clinical testing. Allele origin: germline.

PreventionGenetics, part of Exact Sciences
Classification: Likely benign for PLXNA3-related condition. Last evaluated: 2021-06-27. Review status: no assertion criteria provided. Collection method: clinical testing. Allele origin: germline. Not counted in ClinVar's aggregate classification.
Comment: This variant is classified as likely benign based on ACMG/AMP sequence variant interpretation guidelines (Richards et al. 2015 PMID: 25741868, with internal and published modifications).

NM_017514.5(PLXNA3):c.3513G>A (p.Pro1171=)

Gene: PLXNA3 (plexin A3; plus strand). Cytogenetic location: Xq28.
Variant type: single nucleotide variant.
Coding change: c.3513G>A on transcript NM_017514.5 (MANE Select); coding-DNA position 3513, G replaced by A.
Protein change: p.Pro1171=; no amino-acid change (proline 1171 retained).
Molecular consequence: synonymous variant.
Genome position (GRCh38, 1-based): chrX:154,467,616, G>A. VCF-style: chrX-154467616-G-A. GRCh37 (hg19) VCF-style: chrX-153695959-G-A.
Identifiers: ClinVar variation 719163 (VCV000719163.7), dbSNP rs142993803, ClinGen allele CA10564647.